The following is an entry in ClinVar:

ClinVar aggregate classification (germline): Conflicting classifications of pathogenicity. Review status: criteria provided, conflicting classifications (1 of 4 stars). 6 submissions from 6 submitters: Uncertain significance (1); Likely benign (5). Last evaluated 2026-06-22.

Conditions:
Hereditary cancer-predisposing syndrome. Also called: Hereditary Cancer Syndrome; Tumor predisposition; Hereditary neoplastic syndrome; Neoplastic Syndromes, Hereditary. Identifiers: Orphanet 140162, MedGen C0027672, MeSH D009386, MONDO:0015356.
Retinoblastoma (RB1). Also called: RETINOBLASTOMA, SOMATIC. Identifiers: Orphanet 790, MedGen C0035335, MeSH D012175, MONDO:0008380, OMIM 180200, HP:0009919. Disease mechanism: loss of function. Inheritance: Both sporadic and heritable forms are tested..

Allele frequency attached by ClinVar (database versions not stated): TOPMed 0.00001.
gnomAD v4.1: 2 of 1,611,176 alleles (0.00012%); highest among the groups gnomAD compares: Admixed American, 0.0017%; no homozygotes.

Submissions (6):

Myriad Genetics, Inc.
Classification: Likely benign for Retinoblastoma. Last evaluated: 2026-06-22. Review status: criteria provided, single submitter. Criteria: Myriad Autosomal Dominant, Autosomal Recessive and X-Linked Classification Criteria (2023). Collection method: clinical testing. Allele origin: unknown.
Comment: This variant is considered likely benign. This variant is intronic and is not expected to impact mRNA splicing.

Labcorp Genetics (formerly Invitae), Labcorp
Classification: Likely benign for Retinoblastoma. Last evaluated: 2026-01-26. Review status: criteria provided, single submitter. Criteria: Invitae Variant Classification Sherloc (09022015). Collection method: clinical testing. Allele origin: germline.

Dasa
Classification: Uncertain significance. Last evaluated: 2025-12-08. Review status: criteria provided, single submitter. Criteria: DASA Assertion Criteria. Collection method: clinical testing. Allele origin: germline.
Comment: NM_000321.3(RB1):c.2521-4G>T is a splice-region variant. This variant is rare in population databases. Computational prediction algorithms are consistent with a benign effect. The currently available literature and clinical evidence are not sufficient to establish a definitive association between this variant and the reported condition. Therefore, this variant is classified as a variant of uncertain significance.

Ambry Genetics
Classification: Likely benign for Hereditary cancer-predisposing syndrome. Last evaluated: 2024-11-15. Review status: criteria provided, single submitter. Criteria: Ambry Variant Classification Scheme 2023. Collection method: clinical testing. Allele origin: germline.

All of Us Research Program, National Institutes of Health
Classification: Likely benign for Retinoblastoma. Last evaluated: 2023-08-15. Review status: criteria provided, single submitter. Criteria: ACMG Guidelines, 2015. Collection method: clinical testing. Allele origin: germline. Inheritance: Autosomal dominant inheritance. Observed: 2 variant alleles, 2 heterozygotes.
Comment: This study involves interpretation of variants in research participants for the purpose of population health screening. Participant phenotype was not available at the time of variant classification. Additional details can be found in publication PMID: 35346344, PMCID: PMC8962531

Mendelics
Classification: Likely benign for Retinoblastoma. Last evaluated: 2019-05-28. Review status: criteria provided, single submitter. Criteria: Mendelics Assertion Criteria 2017. Collection method: clinical testing. Allele origin: unknown.

NM_000321.3(RB1):c.2521-4G>T

Gene: RB1 (RB transcriptional corepressor 1; plus strand). Cytogenetic location: 13q14.2.
Variant type: single nucleotide variant.
Coding change: c.2521-4G>T on transcript NM_000321.3 (MANE Select); 4 bases into the intron before coding-DNA position 2521, G replaced by T.
Molecular consequence: intron variant.
Genome position (GRCh38, 1-based): chr13:48,476,697, G>T. VCF-style: chr13-48476697-G-T. GRCh37 (hg19) VCF-style: chr13-49050833-G-T.
Identifiers: ClinVar variation 416496 (VCV000416496.18), dbSNP rs902298592, ClinGen allele CA16614440.
Genomic context (GRCh38, chr13:48,476,697, plus strand): 5'-GAGGTTGCTAACTATGAAACACTGGCATTTAATGATTTAAAGTAAAGAATTCTGTAATTT[G>T]TAGACTTCTGAGAAGTTCCAGAAAATAAATCAGATGGTATGTAACAGCGACCGTGTGCTC-3'